The following is an entry in ClinVar:

ClinVar aggregate classification (germline): Uncertain significance (1 of 4 stars; one submission).

gnomAD v4.1: 24 of 1,592,780 alleles (0.0015%); highest among the groups gnomAD compares: South Asian, 0.027%; no homozygotes.

Submission:

Labcorp Genetics (formerly Invitae), Labcorp
Classification: Uncertain significance. Last evaluated: 2024-07-12. Review status: criteria provided, single submitter. Criteria: Invitae Variant Classification Sherloc (09022015). Collection method: clinical testing. Allele origin: germline.
Comment: This sequence change replaces alanine, which is neutral and non-polar, with threonine, which is neutral and polar, at codon 2202 of the CAD protein (p.Ala2202Thr). This variant is present in population databases (rs776740203, gnomAD 0.02%). This variant has not been reported in the literature in individuals affected with CAD-related conditions. An algorithm developed to predict the effect of missense changes on protein structure and function (PolyPhen-2) suggests that this variant is likely to be disruptive. In summary, the available evidence is currently insufficient to determine the role of this variant in disease. Therefore, it has been classified as a Variant of Uncertain Significance.

NM_004341.5(CAD):c.6604G>A (p.Ala2202Thr)

Genes: CAD (carbamoyl-phosphate synthetase 2, aspartate transcarbamylase, and dihydroorotase; plus strand), LOC126806172 (CDK7 strongly-dependent group 2 enhancer GRCh37_chr2:27465505-27466704; plus strand). Cytogenetic location: 2p23.3.
Variant type: single nucleotide variant.
Coding change: c.6604G>A on transcript NM_004341.5 (MANE Select); coding-DNA position 6604, G replaced by A.
Protein change: p.Ala2202Thr; replaces alanine 2202 with threonine.
Molecular consequence: missense variant.
Genome position (GRCh38, 1-based): chr2:27,243,444, G>A. VCF-style: chr2-27243444-G-A. GRCh37 (hg19) VCF-style: chr2-27466312-G-A.
Other names: c.6415G>A, p.Ala2139Thr (NM_001306079.2); short protein forms A2139T, A2202T.
Identifiers: ClinVar variation 3625239 (VCV003625239.1).